The following is an entry in ClinVar:

NM_024753.5(TTC21B):c.2568_2568+2dup

Gene: TTC21B (tetratricopeptide repeat domain 21B; minus strand). Cytogenetic location: 2q24.3.
Variant type: Duplication.
Coding change: c.2568_2568+2dup on transcript NM_024753.5 (MANE Select); coding-DNA position 2568 through the canonical splice donor site of the intron after coding-DNA position 2568, 3 bases duplicated (GGT; older notation c.2568_2568+2dupGGT).
Molecular consequence: splice donor variant.
Genome position (GRCh38, 1-based): chr2:165,907,676-165,907,678, ACC duplicated on the plus strand (GGT on the coding strand, the reverse complement: TTC21B is on the minus strand). VCF-style (leftmost placement, unchanged base first): chr2-165907675-T-TACC. GRCh37 (hg19) VCF-style: chr2-166764185-T-TACC.
Identifiers: ClinVar variation 3901854 (VCV003901854.1).

ClinVar aggregate classification (germline): Likely pathogenic (1 of 4 stars; one submission).

Conditions:
Asphyxiating thoracic dystrophy 4 (SRTD4). Also called: SHORT-RIB THORACIC DYSPLASIA 4 WITH OR WITHOUT POLYDACTYLY; SHORT-RIB THORACIC DYSPLASIA 4. Identifiers: Orphanet 474, MedGen C3151185, MONDO:0013441, OMIM 613819.

Submission:

Medical Genetics Clinic, University of Catania
Classification: Likely pathogenic for Asphyxiating thoracic dystrophy 4. Last evaluated: 2025-03-27. Review status: criteria provided, single submitter. Criteria: ACMG Guidelines, 2015. Collection method: clinical testing. Allele origin: germline. Inheritance: Autosomal recessive inheritance. Affected: yes. Observed: 1 homozygote.
Comment: The c.2568_2568+2dup variant in the TTC21B gene is a duplication involving the junction between the last nucleotide of an exon (nucleotide 2568) and the first two nucleotide of the following intron. Since the c.2568_2568+2dup variant involves the exon-intron junction it may cause interference with the normal splicing such as: exon skipping, use of a cryptic splice site, insertion of an intron into the final protein, alteration of gene function via frameshift or nonsense-mediated decay. The SpliceAI delta score for this variant is 0.58 for the acceptor loss and 0.97 for the donor loss while the Pangolin score for the splice loss is 0.76. In silico computational software (MutationTaster) suggests a detrimental effect on the structure/activity of the resulting protein. This variant does not have a gnomAD genomes entry. In the light of the above the c.2568_2568+2dup variant in the TTC21B gene has been classified as Likely Pathogenic variant.